The following is an entry in ClinVar:

NM_033305.3(VPS13A):c.7617C>A (p.Tyr2539Ter)

Gene: VPS13A (vacuolar protein sorting 13 homolog A; plus strand). Cytogenetic location: 9q21.2.
Variant type: single nucleotide variant.
Coding change: c.7617C>A on transcript NM_033305.3 (MANE Select); coding-DNA position 7617, C replaced by A.
Protein change: p.Tyr2539Ter; replaces tyrosine 2539 with a stop codon.
Molecular consequence: nonsense.
Genome position (GRCh38, 1-based): chr9:77,353,606, C>A. VCF-style: chr9-77353606-C-A. GRCh37 (hg19) VCF-style: chr9-79968522-C-A.
Other names: c.7500C>A, p.Tyr2500Ter (NM_001018037.2); c.7617C>A, p.Tyr2539Ter (NM_001018038.3, NM_015186.4); short protein forms Y2500*, Y2539*.
Identifiers: ClinVar variation 5013333 (VCV005013333.1).

ClinVar aggregate classification (germline): Pathogenic (1 of 4 stars; one submission).

Conditions:
VPS13A-related neurodegenerative disease. Also called: ACANTHOCYTOSIS WITH NEUROLOGIC DISORDER; LEVINE-CRITCHLEY SYNDROME; Choreoacanthocytosis; Chorea-acanthocytosis; Choreaacanthocytosis; VPS13A Disease. Identifiers: Orphanet 2388, MedGen C0393576, MONDO:0008695, OMIM 200150.

Submission:

Myriad Genetics, Inc.
Classification: Pathogenic for VPS13A-related neurodegenerative disease. Last evaluated: 2024-07-20. Review status: criteria provided, single submitter. Criteria: Myriad Autosomal Dominant, Autosomal Recessive and X-Linked Classification Criteria (2023). Collection method: clinical testing. Allele origin: unknown.
Comment: NM_033305.2(VPS13A):c.7617C>A(Y2539*) is expected to be pathogenic in the context of VPS13A disease. This variant is predicted to lead to an abnormal or absent protein product due to the creation of a premature termination codon in VPS13A, a gene where loss-of-function variants are known to be pathogenic. Please note: this variant was assessed in the context of healthy population screening.